The following is an entry in ClinVar:

NM_020163.3(SEMA3G):c.892G>A (p.Gly298Ser)

Gene: SEMA3G (semaphorin 3G; minus strand). Cytogenetic location: 3p21.1.
Variant type: single nucleotide variant.
Coding change: c.892G>A on transcript NM_020163.3 (MANE Select); coding-DNA position 892, G replaced by A.
Protein change: p.Gly298Ser; replaces glycine 298 with serine.
Molecular consequence: missense variant.
Genome position (GRCh38, 1-based): chr3:52,440,970, C>T on the plus strand (G>A on the coding strand, the complement: SEMA3G is on the minus strand). VCF-style: chr3-52440970-C-T. GRCh37 (hg19) VCF-style: chr3-52474986-C-T.
Other names: c.892G>A (NM_020163.1); short protein forms G298S.
Identifiers: ClinVar variation 2631908 (VCV002631908.4), dbSNP rs563308450, ClinGen allele CA2438161.
Genomic context (GRCh38, chr3:52,440,970, plus strand): 5'-AGGCCTGCTTGGCCAGGCCCTCACCTAGCTGGTCAAAGTGGGTCTCGGCACCACCAGGGC[C>T]GGGCACCGAGCAGACCAGCCTGGCCTTGAGGAAAGTGCTCCATTTGTTCACCAGCACCCG-3'
Protein context (NP_064548.1, residues 288-308): LKARLVCSVP[Gly298Ser]PGGAETHFDQ

ClinVar aggregate classification (germline): Uncertain significance. Review status: criteria provided, multiple submitters, no conflicts (2 of 4 stars). 2 submissions from 2 submitters: Uncertain significance (2). Last evaluated 2026-04-08.

Conditions:
SEMA3G-related disorder. Also called: SEMA3G-related condition.

Allele frequency attached by ClinVar (database versions not stated): ExAC 0.00002; TOPMed 0.00002; gnomAD 0.00004; 1000 Genomes Project 30x 0.00016; 1000 Genomes Project 0.00020.

Submissions (2):

PreventionGenetics, part of Exact Sciences
Classification: Uncertain significance for SEMA3G-related condition. Last evaluated: 2026-04-08. Review status: criteria provided, single submitter. Criteria: ACMG Guidelines, 2015. Collection method: clinical testing. Allele origin: germline.
Comment: The SEMA3G c.892G>A variant is predicted to result in the amino acid substitution p.Gly298Ser. To our knowledge, this variant has not been reported in the literature. This variant is reported in 0.012% of alleles in individuals of African descent in gnomAD. At this time, the clinical significance of this variant is uncertain due to the absence of conclusive functional and genetic evidence.

Ambry Genetics
Classification: Uncertain significance. Last evaluated: 2024-03-07. Review status: criteria provided, single submitter. Criteria: Ambry Variant Classification Scheme 2023. Collection method: clinical testing. Allele origin: germline.